The following is an entry in ClinVar:

NM_000143.4(FH):c.637A>G (p.Lys213Glu)

Gene: FH (fumarate hydratase; minus strand). Cytogenetic location: 1q43.
Variant type: single nucleotide variant.
Coding change: c.637A>G on transcript NM_000143.4 (MANE Select); coding-DNA position 637, A replaced by G.
Protein change: p.Lys213Glu; replaces lysine 213 with glutamic acid.
Molecular consequence: missense variant.
Genome position (GRCh38, 1-based): chr1:241,508,704, T>C on the plus strand (A>G on the coding strand, the complement: FH is on the minus strand). VCF-style: chr1-241508704-T-C. GRCh37 (hg19) VCF-style: chr1-241672004-T-C.
Other names: short protein forms K213E.
Identifiers: ClinVar variation 1998186 (VCV001998186.4), dbSNP rs2527327333, ClinGen allele CA345439344.

ClinVar aggregate classification (germline): Uncertain significance (1 of 4 stars; one submission).

Allele frequency attached by ClinVar (database versions not stated): gnomAD exomes below 0.00001.
gnomAD v4.1: 1 of 1,613,544 alleles (0.000062%); highest among the groups gnomAD compares: South Asian, 0.0011%; no homozygotes.

Submission:

Labcorp Genetics (formerly Invitae), Labcorp
Classification: Uncertain significance. Last evaluated: 2022-05-24. Review status: criteria provided, single submitter. Criteria: Invitae Variant Classification Sherloc (09022015). Collection method: clinical testing. Allele origin: germline.
Comment: In summary, the available evidence is currently insufficient to determine the role of this variant in disease. Therefore, it has been classified as a Variant of Uncertain Significance. Advanced modeling of protein sequence and biophysical properties (such as structural, functional, and spatial information, amino acid conservation, physicochemical variation, residue mobility, and thermodynamic stability) performed at Invitae indicates that this missense variant is not expected to disrupt FH protein function. This variant has not been reported in the literature in individuals affected with FH-related conditions. This variant is not present in population databases (gnomAD no frequency). This sequence change replaces lysine, which is basic and polar, with glutamic acid, which is acidic and polar, at codon 213 of the FH protein (p.Lys213Glu).